The following is an entry in ClinVar:

NM_003014.4(SFRP4):c.792G>A (p.Arg264=)

Gene: SFRP4 (secreted frizzled related protein 4; minus strand). Cytogenetic location: 7p14.1.
Variant type: single nucleotide variant.
Coding change: c.792G>A on transcript NM_003014.4 (MANE Select); coding-DNA position 792, G replaced by A.
Protein change: p.Arg264=; no amino-acid change (arginine 264 retained).
Molecular consequence: synonymous variant.
Genome position (GRCh38, 1-based): chr7:37,909,680, C>T on the plus strand (G>A on the coding strand, the complement: SFRP4 is on the minus strand). VCF-style: chr7-37909680-C-T. GRCh37 (hg19) VCF-style: chr7-37949282-C-T.
Identifiers: ClinVar variation 1525259 (VCV001525259.3), dbSNP rs147388554, ClinGen allele CA4222715.

ClinVar aggregate classification (germline): Uncertain significance (1 of 4 stars; one submission).

Allele frequency attached by ClinVar (database versions not stated): 1000 Genomes Project 30x 0.00016; 1000 Genomes Project 0.00020; gnomAD 0.00061 and 0.00063; TOPMed 0.00066; gnomAD exomes 0.00072 and 0.00102; ESP Exome Variant Server 0.00085.
gnomAD v4.1: 1,515 of 1,562,410 alleles (0.097%); highest among the groups gnomAD compares: Non-Finnish European, 0.11%; 4 homozygotes.

Submission:

Labcorp Genetics (formerly Invitae), Labcorp
Classification: Uncertain significance. Last evaluated: 2022-09-26. Review status: criteria provided, single submitter. Criteria: Invitae Variant Classification Sherloc (09022015). Collection method: clinical testing. Allele origin: germline.
Comment: This sequence change affects codon 264 of the SFRP4 mRNA. It is a 'silent' change, meaning that it does not change the encoded amino acid sequence of the SFRP4 protein. It affects a nucleotide within the consensus splice site. This variant is present in population databases (rs147388554, gnomAD 0.1%), and has an allele count higher than expected for a pathogenic variant. This variant has not been reported in the literature in individuals affected with SFRP4-related conditions. ClinVar contains an entry for this variant (Variation ID: 1525259). Algorithms developed to predict the effect of sequence changes on RNA splicing suggest that this variant is not likely to affect RNA splicing. In summary, the available evidence is currently insufficient to determine the role of this variant in disease. Therefore, it has been classified as a Variant of Uncertain Significance.